The following is an entry in ClinVar:

NM_000170.3(GLDC):c.1697C>A (p.Ser566Tyr)

Gene: GLDC (glycine decarboxylase; minus strand). Cytogenetic location: 9p24.1.
Variant type: single nucleotide variant.
Coding change: c.1697C>A on transcript NM_000170.3 (MANE Select); coding-DNA position 1697, C replaced by A.
Protein change: p.Ser566Tyr; replaces serine 566 with tyrosine.
Molecular consequence: missense variant.
Genome position (GRCh38, 1-based): chr9:6,588,411, G>T on the plus strand (C>A on the coding strand, the complement: GLDC is on the minus strand). VCF-style: chr9-6588411-G-T. GRCh37 (hg19) VCF-style: chr9-6588411-G-T.
Other names: short protein forms S566Y.
Identifiers: ClinVar variation 2145628 (VCV002145628.1), dbSNP rs775299911, ClinGen allele CA4980573.

ClinVar aggregate classification (germline): Uncertain significance (1 of 4 stars; one submission).

Conditions:
Glycine encephalopathy. Also called: Non-ketotic hyperglycinemia; Nonketotic hyperglycinemia. Identifiers: Orphanet 407, MedGen C0751748, MONDO:0011612, HP:0008288.

Allele frequency attached by ClinVar (database versions not stated): ExAC 0.00001; gnomAD 0.00001.
gnomAD v4.1: 7 of 1,611,716 alleles (0.00043%); highest among the groups gnomAD compares: Middle Eastern, 0.017%; no homozygotes.

Submission:

Labcorp Genetics (formerly Invitae), Labcorp
Classification: Uncertain significance for Glycine encephalopathy. Last evaluated: 2021-08-27. Review status: criteria provided, single submitter. Criteria: Invitae Variant Classification Sherloc (09022015). Collection method: clinical testing. Allele origin: germline.
Comment: This sequence change replaces serine with tyrosine at codon 566 of the GLDC protein (p.Ser566Tyr). The serine residue is moderately conserved and there is a large physicochemical difference between serine and tyrosine. This variant is present in population databases (rs775299911, ExAC 0.001%). This variant has not been reported in the literature in individuals affected with GLDC-related conditions. Algorithms developed to predict the effect of missense changes on protein structure and function are either unavailable or do not agree on the potential impact of this missense change (SIFT: "Tolerated"; PolyPhen-2: "Possibly Damaging"; Align-GVGD: "Class C0"). In summary, the available evidence is currently insufficient to determine the role of this variant in disease. Therefore, it has been classified as a Variant of Uncertain Significance.